The following is an entry in ClinVar:

ClinVar aggregate classification (germline): Likely pathogenic (1 of 4 stars; one submission).

Conditions:
BDNF-related disorder. Also called: BDNF-related condition.

Submission:

PreventionGenetics, part of Exact Sciences
Classification: Likely pathogenic for BDNF-related condition. Last evaluated: 2026-08-20. Review status: criteria provided, single submitter. Criteria: ACMG Guidelines, 2015. Collection method: clinical testing. Allele origin: germline.
Comment: The BDNF c.89delG variant is predicted to result in a frameshift and premature protein termination (p.Gly30Valfs*17). To our knowledge, this variant has not been reported in the literature or in a large population database (gnomAD), indicating this variant is rare. Frameshift variants in BDNF are expected to be pathogenic. This variant is interpreted as likely pathogenic.

NM_001709.5(BDNF):c.89del (p.Gly30fs)

Genes: BDNF (brain derived neurotrophic factor; minus strand), BDNF-AS (BDNF antisense RNA; plus strand). Cytogenetic location: 11p14.1.
Variant type: Deletion.
Coding change: c.89del on transcript NM_001709.5 (MANE Select); coding-DNA position 89, one base deleted (G; older notation c.89delG).
Protein change: p.Gly30fs; shifts the reading frame from glycine 30.
Molecular consequence: frameshift variant.
Genome position (GRCh38, 1-based): chr11:27,658,476, C deleted on the plus strand (G on the coding strand, the reverse complement: BDNF is on the minus strand); the first of 2 consecutive C bases (chr11:27,658,476-27,658,477); deleting either gives the same sequence. VCF-style (leftmost placement, unchanged base first): chr11-27658475-AC-A. GRCh37 (hg19) VCF-style: chr11-27680022-AC-A.
Other names: c.89del, p.Gly30fs (NM_001143805.1, NM_001143806.1, NM_001143807.2 and 9 more transcripts); c.176del, p.Gly59fs (NM_001143809.2); c.335del, p.Gly112fs (NM_001143810.2); c.113del, p.Gly38fs (NM_170731.5); c.134del, p.Gly45fs (NM_170734.4); short protein forms G30fs, G45fs, G38fs, G112fs, G59fs.
Identifiers: ClinVar variation 4993728 (VCV004993728.1).
Genomic context (GRCh38, chr11:27,658,475, plus strand): 5'-CTTGGGCCCATTCACGCTCTCCAGAGTCCCATGGGTCCGCACACCTGGGTAGGCCAAGCC[AC>A]CTTGTCCTCGGATGTTTGCTTCTTTCATGGGGGCAGCCTTCATGCAACCAAAGTATGAAA-3'